The following is an entry in ClinVar:

NM_014806.5(RUSC2):c.3810G>A (p.Trp1270Ter)

Gene: RUSC2 (RUN and SH3 domain containing 2; plus strand). Cytogenetic location: 9p13.3.
Variant type: single nucleotide variant.
Coding change: c.3810G>A on transcript NM_014806.5 (MANE Select); coding-DNA position 3810, G replaced by A.
Protein change: p.Trp1270Ter; replaces tryptophan 1270 with a stop codon.
Molecular consequence: nonsense. On other transcripts: non-coding transcript variant (1).
Genome position (GRCh38, 1-based): chr9:35,560,450, G>A. VCF-style: chr9-35560450-G-A. GRCh37 (hg19) VCF-style: chr9-35560447-G-A.
Other names: c.3810G>A, p.Trp1270Ter (NM_001135999.2); c.1176G>A, p.Trp392Ter (NM_001330740.2); short protein forms W392*, W1270*.
Identifiers: ClinVar variation 1999291 (VCV001999291.4), dbSNP rs1025758355, ClinGen allele CA192760128.

ClinVar aggregate classification (germline): Pathogenic (1 of 4 stars; one submission).

Allele frequency attached by ClinVar (database versions not stated): TOPMed 0.00002.

Submission:

Labcorp Genetics (formerly Invitae), Labcorp
Classification: Pathogenic. Last evaluated: 2022-05-27. Review status: criteria provided, single submitter. Criteria: Invitae Variant Classification Sherloc (09022015). Collection method: clinical testing. Allele origin: germline.
Comment: For these reasons, this variant has been classified as Pathogenic. This variant has not been reported in the literature in individuals affected with RUSC2-related conditions. This variant is not present in population databases (gnomAD no frequency). This sequence change creates a premature translational stop signal (p.Trp1270*) in the RUSC2 gene. It is expected to result in an absent or disrupted protein product. Loss-of-function variants in RUSC2 are known to be pathogenic (PMID: 27612186).

Literature cited by the submitters: PubMed 27612186.